The following is an entry in ClinVar:

NM_000321.3(RB1):c.1469C>A (p.Ala490Asp)

Gene: RB1 (RB transcriptional corepressor 1; plus strand). Cytogenetic location: 13q14.2.
Variant type: single nucleotide variant.
Coding change: c.1469C>A on transcript NM_000321.3 (MANE Select); coding-DNA position 1469, C replaced by A.
Protein change: p.Ala490Asp; replaces alanine 490 with aspartic acid.
Molecular consequence: missense variant.
Genome position (GRCh38, 1-based): chr13:48,380,212, C>A. VCF-style: chr13-48380212-C-A. GRCh37 (hg19) VCF-style: chr13-48954348-C-A.
Other names: c.1469C>A, p.Ala490Asp (NM_001407165.1, NM_001407166.1); short protein forms A490D.
Identifiers: ClinVar variation 4278847 (VCV004278847.1).

ClinVar aggregate classification (germline): Uncertain significance (1 of 4 stars; one submission).

Submission:

GeneDx
Classification: Uncertain significance. Last evaluated: 2025-04-03. Review status: criteria provided, single submitter. Criteria: GeneDx Variant Classification Process June 2021. Collection method: clinical testing. Allele origin: germline. Affected: yes.
Comment: Not observed at significant frequency in large population cohorts (gnomAD); In silico analysis supports that this missense variant has a deleterious effect on protein structure/function; Has not been previously published as pathogenic or benign to our knowledge; This variant is associated with the following publications: (PMID: 23516486)